The following is an entry in ClinVar:

ClinVar aggregate classification (germline): Uncertain significance (1 of 4 stars; one submission).

gnomAD v4.1: 3 of 1,613,958 alleles (0.00019%); highest among the groups gnomAD compares: Non-Finnish European, 0.00025%; no homozygotes.

Submission:

CeGaT Center for Human Genetics Tuebingen
Classification: Uncertain significance. Last evaluated: 2026-06-01. Review status: criteria provided, single submitter. Criteria: CeGaT Center For Human Genetics Tuebingen Variant Classification Criteria Version 2. Collection method: clinical testing. Allele origin: germline. Affected: yes. Observed: 1 variant allele.
Comment: ASCC3: PM2, BP4

NM_006828.4(ASCC3):c.656A>G (p.Asn219Ser)

Gene: ASCC3 (activating signal cointegrator 1 complex subunit 3; minus strand). Cytogenetic location: 6q16.3.
Variant type: single nucleotide variant.
Coding change: c.656A>G on transcript NM_006828.4 (MANE Select); coding-DNA position 656, A replaced by G.
Protein change: p.Asn219Ser; replaces asparagine 219 with serine.
Molecular consequence: missense variant.
Genome position (GRCh38, 1-based): chr6:100,848,293, T>C on the plus strand (A>G on the coding strand, the complement: ASCC3 is on the minus strand). VCF-style: chr6-100848293-T-C. GRCh37 (hg19) VCF-style: chr6-101296169-T-C.
Other names: c.656A>G, p.Asn219Ser (NM_001284271.2); short protein forms N219S.
Identifiers: ClinVar variation 4873472 (VCV004873472.2).